The following is an entry in ClinVar:

NM_000051.4(ATM):c.2236T>C (p.Phe746Leu)

Gene: ATM (ATM serine/threonine kinase; plus strand). Cytogenetic location: 11q22.3.
Variant type: single nucleotide variant.
Coding change: c.2236T>C on transcript NM_000051.4 (MANE Select); coding-DNA position 2236, T replaced by C.
Protein change: p.Phe746Leu; replaces phenylalanine 746 with leucine.
Molecular consequence: missense variant.
Genome position (GRCh38, 1-based): chr11:108,256,326, T>C. VCF-style: chr11-108256326-T-C. GRCh37 (hg19) VCF-style: chr11-108127053-T-C.
Other names: c.2236T>C, p.Phe746Leu (NM_001351834.2); short protein forms F746L.
Identifiers: ClinVar variation 649721 (VCV000649721.16), dbSNP rs1017383703, ClinGen allele CA228397442.
Genomic context (GRCh38, chr11:108,256,326, plus strand): 5'-CTTGGCTGCTACTGTTACATGGGTGTAATAGCTGAAGAGGAAGCATATAAGTCAGAATTA[T>C]TCCAGAAAGCCAAGGTAGGAGAATTTATACTAATAAAGTTTCGGATAAATTTGAATGAAA-3'
Protein context (NP_000042.3, residues 736-756): AEEEAYKSEL[Phe746Leu]QKAKSLMQCA

ClinVar aggregate classification (germline): Uncertain significance. Review status: criteria provided, multiple submitters, no conflicts (2 of 4 stars). 4 submissions from 4 submitters: Uncertain significance (3). 1 of the submissions does not count toward it. Last evaluated 2024-07-25.

Conditions:
Breast and/or ovarian cancer. Identifiers: MedGen CN221562.
Hereditary cancer-predisposing syndrome. Also called: Hereditary Cancer Syndrome; Tumor predisposition; Neoplastic Syndromes, Hereditary; Hereditary neoplastic syndrome. Identifiers: Orphanet 140162, MedGen C0027672, MeSH D009386, MONDO:0015356.
Ataxia-telangiectasia syndrome (AT). Also called: ATAXIA-TELANGIECTASIA, FRESNO VARIANT; Ataxia-telangiectasia, complementation group E; Ataxia telangiectasia (A-T); Cerebello-oculocutaneous telangiectasia; Immunodeficiency with ataxia telangiectasia; LOUIS-BAR SYNDROME. Identifiers: Orphanet 100, MedGen C0004135, MONDO:0008840, OMIM 208900.

Allele frequency attached by ClinVar (database versions not stated): gnomAD 0.00001; gnomAD exomes 0.00001.
gnomAD v4.1: 10 of 1,610,416 alleles (0.00062%); highest among the groups gnomAD compares: Non-Finnish European, 0.00085%; no homozygotes.

Submissions (4):

Labcorp Genetics (formerly Invitae), Labcorp
Classification: Uncertain significance for Ataxia-telangiectasia syndrome. Last evaluated: 2024-07-25. Review status: criteria provided, single submitter. Criteria: Invitae Variant Classification Sherloc (09022015). Collection method: clinical testing. Allele origin: germline.
Comment: This sequence change replaces phenylalanine, which is neutral and non-polar, with leucine, which is neutral and non-polar, at codon 746 of the ATM protein (p.Phe746Leu). This variant is present in population databases (no rsID available, gnomAD 0.007%). This variant has not been reported in the literature in individuals affected with ATM-related conditions. ClinVar contains an entry for this variant (Variation ID: 649721). An algorithm developed to predict the effect of missense changes on protein structure and function (PolyPhen-2) suggests that this variant is likely to be disruptive. In summary, the available evidence is currently insufficient to determine the role of this variant in disease. Therefore, it has been classified as a Variant of Uncertain Significance.

CHEO Genetics Diagnostic Laboratory, Children's Hospital of Eastern Ontario
Classification: Uncertain significance for Breast and/or ovarian cancer. Last evaluated: 2023-06-05. Review status: criteria provided, single submitter. Criteria: ACMG Guidelines, 2015. Collection method: clinical testing. Allele origin: germline.

Ambry Genetics
Classification: Uncertain significance for Hereditary cancer-predisposing syndrome. Last evaluated: 2020-11-25. Review status: criteria provided, single submitter. Criteria: Ambry Variant Classification Scheme 2023. Collection method: clinical testing. Allele origin: germline.
Comment: The p.F746L variant (also known as c.2236T>C), located in coding exon 13 of the ATM gene, results from a T to C substitution at nucleotide position 2236. The phenylalanine at codon 746 is replaced by leucine, an amino acid with highly similar properties. This alteration has been reported in at least one subject in a study of 13087 breast cancer cases and 5488 control individuals in the UK (Decker B et al. J Med Genet, 2017 11;54:732-741). This amino acid position is highly conserved in available vertebrate species. In addition, the in silico prediction for this alteration is inconclusive. Since supporting evidence is limited at this time, the clinical significance of this alteration remains unclear.

Natera, Inc.
Classification: Uncertain significance for Ataxia-telangiectasia. Last evaluated: 2020-08-21. Review status: no assertion criteria provided. Collection method: clinical testing. Allele origin: germline. Not counted in ClinVar's aggregate classification.

Literature cited by the submitters: PubMed 28779002 (cited by Ambry Genetics).